The following is an entry in ClinVar:

ClinVar aggregate classification (germline): Likely benign. Review status: criteria provided, single submitter (1 of 4 stars). 2 submissions from 2 submitters: Likely benign (1). 1 of the submissions does not count toward it. Last evaluated 2025-06-16.

Conditions:
INF2-related disorder. Also called: INF2-related condition.
Focal segmental glomerulosclerosis 5 (FSGS5). Identifiers: Orphanet 656, MedGen C2750475, MONDO:0013191, OMIM 613237.
Charcot-Marie-Tooth disease dominant intermediate E. Also called: CHARCOT-MARIE-TOOTH NEUROPATHY WITH FOCAL SEGMENTAL GLOMERULONEPHRITIS. Identifiers: Orphanet 93114, MedGen C4302667, MONDO:0013758, OMIM 614455.

Allele frequency attached by ClinVar (database versions not stated): ExAC 0.00008; 1000 Genomes Project 30x 0.01031.

Submissions (2):

Labcorp Genetics (formerly Invitae), Labcorp
Classification: Likely benign for Charcot-Marie-Tooth disease dominant intermediate E; Focal segmental glomerulosclerosis 5. Last evaluated: 2025-06-16. Review status: criteria provided, single submitter. Criteria: Invitae Variant Classification Sherloc (09022015). Collection method: clinical testing. Allele origin: germline.

PreventionGenetics, part of Exact Sciences
Classification: Likely benign for INF2-related condition. Last evaluated: 2019-04-11. Review status: no assertion criteria provided. Collection method: clinical testing. Allele origin: germline. Not counted in ClinVar's aggregate classification.
Comment: This variant is classified as likely benign based on ACMG/AMP sequence variant interpretation guidelines (Richards et al. 2015 PMID: 25741868, with internal and published modifications).

NM_022489.4(INF2):c.1512A>C (p.Pro504=)

Gene: INF2 (inverted formin 2; plus strand). Cytogenetic location: 14q32.33.
Variant type: single nucleotide variant.
Coding change: c.1512A>C on transcript NM_022489.4 (MANE Select); coding-DNA position 1512, A replaced by C.
Protein change: p.Pro504=; no amino-acid change (proline 504 retained).
Molecular consequence: synonymous variant.
Genome position (GRCh38, 1-based): chr14:104,707,779, A>C. VCF-style: chr14-104707779-A-C. GRCh37 (hg19) VCF-style: chr14-105174116-A-C.
Other names: c.1512A>C, p.Pro504= (NM_001031714.4, NM_001426862.1, NM_001426863.1 and 2 more transcripts).
Identifiers: ClinVar variation 3033351 (VCV003033351.4), dbSNP rs774032439, ClinGen allele CA7372582.